The following is an entry in ClinVar:

ClinVar aggregate classification (germline): Uncertain significance (1 of 4 stars; one submission).

Allele frequency attached by ClinVar (database versions not stated): gnomAD exomes below 0.00001; TOPMed below 0.00001; gnomAD 0.00001.
gnomAD v4.1: 4 of 1,612,254 alleles (0.00025%); highest among the groups gnomAD compares: African/African-American, 0.0013%; no homozygotes.

Submission:

Women's Health and Genetics/Laboratory Corporation of America, LabCorp
Classification: Uncertain significance. Last evaluated: 2023-08-28. Review status: criteria provided, single submitter. Criteria: LabCorp Variant Classification Summary - May 2015. Collection method: clinical testing. Allele origin: germline.
Comment: Variant summary: CYP17A1 c.337G>A (p.Ala113Thr) results in a non-conservative amino acid change in the encoded protein sequence. Four of five in-silico tools predict a damaging effect of the variant on protein function. The variant was absent in 251478 control chromosomes (gnomAD). The available data on variant occurrences in the general population are insufficient to allow any conclusion about variant significance. c.337G>A has been reported in the literature in an individual affected with Congenital Adrenal Hyperplasia (Wang_2021). These data do not allow any conclusion about variant significance. To our knowledge, no experimental evidence demonstrating an impact on protein function has been reported. The following publication has been ascertained in the context of this evaluation (PMID: 33864926). No submitters have cited clinical-significance assessments for this variant to ClinVar after 2014. Based on the evidence outlined above, the variant was classified as uncertain significance.

Literature cited by the submitters: PubMed 33864926.

NM_000102.4(CYP17A1):c.337G>A (p.Ala113Thr)

Gene: CYP17A1 (cytochrome P450 family 17 subfamily A member 1; minus strand). Cytogenetic location: 10q24.32.
Variant type: single nucleotide variant.
Coding change: c.337G>A on transcript NM_000102.4 (MANE Select); coding-DNA position 337, G replaced by A.
Protein change: p.Ala113Thr; replaces alanine 113 with threonine.
Molecular consequence: missense variant.
Genome position (GRCh38, 1-based): chr10:102,835,353, C>T on the plus strand (G>A on the coding strand, the complement: CYP17A1 is on the minus strand). VCF-style: chr10-102835353-C-T. GRCh37 (hg19) VCF-style: chr10-104595110-C-T.
Other names: short protein forms A113T.
Identifiers: ClinVar variation 2581396 (VCV002581396.1), dbSNP rs550594217, ClinGen allele CA212294523.